The following is an entry in ClinVar:

ClinVar aggregate classification (germline): Uncertain significance. Review status: criteria provided, multiple submitters, no conflicts (2 of 4 stars). 6 submissions from 5 submitters: Uncertain significance (6). Last evaluated 2026-01-06.

Conditions:
Adams-Oliver syndrome 5 (AOS5). Identifiers: Orphanet 974, MedGen C4014970, MONDO:0014459, OMIM 616028.
Familial thoracic aortic aneurysm and aortic dissection (TAAD). Also called: Thoracic aortic aneurysms and dissections. Identifiers: Orphanet 91387, MedGen C4707243, MONDO:0019625.
Aortic valve disease 1 (AOVD1). Identifiers: MedGen C3887892, MONDO:0024523, OMIM 109730.

Allele frequency attached by ClinVar (database versions not stated): gnomAD exomes below 0.00001; TOPMed below 0.00001; gnomAD 0.00001.
gnomAD v4.1: 7 of 1,612,056 alleles (0.00043%); highest among the groups gnomAD compares: Non-Finnish European, 0.00059%; no homozygotes.

Submissions (6):

GeneDx
Classification: Uncertain significance. Last evaluated: 2026-01-06. Review status: criteria provided, single submitter. Criteria: GeneDx Variant Classification Process June 2021. Collection method: clinical testing. Allele origin: germline. Affected: yes.
Comment: Not observed at significant frequency in large population cohorts (gnomAD); In silico analysis supports that this missense variant has a deleterious effect on protein structure/function; Has not been previously published as pathogenic or benign to our knowledge

Labcorp Genetics (formerly Invitae), Labcorp
Classification: Uncertain significance for Adams-Oliver syndrome 5. Last evaluated: 2025-05-06. Review status: criteria provided, single submitter. Criteria: Invitae Variant Classification Sherloc (09022015). Collection method: clinical testing. Allele origin: germline.
Comment: This sequence change replaces leucine, which is neutral and non-polar, with proline, which is neutral and non-polar, at codon 1831 of the NOTCH1 protein (p.Leu1831Pro). This variant is not present in population databases (gnomAD no frequency). This variant has not been reported in the literature in individuals affected with NOTCH1-related conditions. ClinVar contains an entry for this variant (Variation ID: 426954). Invitae Evidence Modeling of protein sequence and biophysical properties (such as structural, functional, and spatial information, amino acid conservation, physicochemical variation, residue mobility, and thermodynamic stability) indicates that this missense variant is not expected to disrupt NOTCH1 protein function with a negative predictive value of 80%. In summary, the available evidence is currently insufficient to determine the role of this variant in disease. Therefore, it has been classified as a Variant of Uncertain Significance.

Ambry Genetics
Classification: Uncertain significance for Familial thoracic aortic aneurysm and aortic dissection. Last evaluated: 2024-07-16. Review status: criteria provided, single submitter. Criteria: Ambry Variant Classification Scheme 2023. Collection method: clinical testing. Allele origin: germline.
Comment: The p.L1831P variant (also known as c.5492T>C), located in coding exon 30 of the NOTCH1 gene, results from a T to C substitution at nucleotide position 5492. The leucine at codon 1831 is replaced by proline, an amino acid with similar properties. This amino acid position is highly conserved in available vertebrate species. In addition, the in silico prediction for this alteration is inconclusive. Based on the available evidence, the clinical significance of this variant remains unclear.

ARUP Laboratories, Molecular Genetics and Genomics, ARUP Laboratories
Classification: Uncertain significance. Last evaluated: 2023-10-03. Review status: criteria provided, single submitter. Criteria: ARUP Molecular Germline Variant Investigation Process 2024. Collection method: clinical testing. Allele origin: germline.
Comment: The NOTCH1 c.5492T>C; p.Leu1831Pro variant (rs1085307869), to our knowledge, is not reported in the medical literature in NOTCH1-related conditions but is reported in ClinVar (Variation ID: 426954). This variant is also absent from the Genome Aggregation Database, indicating it is not a common polymorphism. Computational analyses are uncertain whether this variant is neutral or deleterious (REVEL: 0.563). Due to limited information, the clinical significance of this variant is uncertain at this time.

Genome-Nilou Lab
Classification: Uncertain significance for Adams-Oliver syndrome 5. Last evaluated: 2022-03-15. Review status: criteria provided, single submitter. Criteria: ACMG Guidelines, 2015. Collection method: clinical testing. Allele origin: germline. Affected: no.

Genome-Nilou Lab
Classification: Uncertain significance for Aortic valve disease 1. Last evaluated: 2022-03-15. Review status: criteria provided, single submitter. Criteria: ACMG Guidelines, 2015. Collection method: clinical testing. Allele origin: germline. Affected: no.

NM_017617.5(NOTCH1):c.5492T>C (p.Leu1831Pro)

Gene: NOTCH1 (notch receptor 1; minus strand). Cytogenetic location: 9q34.3.
Variant type: single nucleotide variant.
Coding change: c.5492T>C on transcript NM_017617.5 (MANE Select); coding-DNA position 5492, T replaced by C.
Protein change: p.Leu1831Pro; replaces leucine 1831 with proline.
Molecular consequence: missense variant.
Genome position (GRCh38, 1-based): chr9:136,501,894, A>G on the plus strand (T>C on the coding strand, the complement: NOTCH1 is on the minus strand). VCF-style: chr9-136501894-A-G. GRCh37 (hg19) VCF-style: chr9-139396346-A-G.
Other names: c.5492T>C, p.Leu1831Pro (LRG_1122t1); short protein forms L1831P.
Identifiers: ClinVar variation 426954 (VCV000426954.19), dbSNP rs1085307869, ClinGen allele CA375639517.
Genomic context (GRCh38, chr9:136,501,894, plus strand): 5'-GCGGCATCCAGGTGCTGCTGAGTCCACTGCCGGTGGTCTGTCTGGTCGTCCAGGTCAGGC[A>G]GAACCACGGGCTCCTCGAACTACATAGAGGGAGTGAGCAGAGCCTGTCAGGGCAGCCCGG-3'
Protein context (NP_060087.3, residues 1821-1841): KKFRFEEPVV[Leu1831Pro]PDLDDQTDHR